The following is an entry in ClinVar:

NM_016203.4(PRKAG2):c.23C>T (p.Thr8Ile)

Gene: PRKAG2 (protein kinase AMP-activated non-catalytic subunit gamma 2; minus strand). Cytogenetic location: 7q36.1.
Variant type: single nucleotide variant.
Coding change: c.23C>T on transcript NM_016203.4 (MANE Select); coding-DNA position 23, C replaced by T.
Protein change: p.Thr8Ile; replaces threonine 8 with isoleucine.
Molecular consequence: missense variant.
Genome position (GRCh38, 1-based): chr7:151,876,598, G>A on the plus strand (C>T on the coding strand, the complement: PRKAG2 is on the minus strand). VCF-style: chr7-151876598-G-A. GRCh37 (hg19) VCF-style: chr7-151573683-G-A.
Other names: c.23C>T, p.Thr8Ile (NM_001407021.1, NM_001407022.1, NM_001407023.1 and 2 more transcripts); short protein forms T8I.
Identifiers: ClinVar variation 3073481 (VCV003073481.1), dbSNP rs892103159, ClinGen allele CA370072029.

ClinVar aggregate classification (germline): Uncertain significance (1 of 4 stars; one submission).

Conditions:
Hypertrophic cardiomyopathy. Also called: HYPERTROPHIC MYOCARDIOPATHY. Identifiers: Orphanet 217569, MedGen C0007194, MeSH D002312, MONDO:0005045, HP:0001639.

Submission:

All of Us Research Program, National Institutes of Health
Classification: Uncertain significance for Hypertrophic cardiomyopathy. Last evaluated: 2023-09-17. Review status: criteria provided, single submitter. Criteria: ACMG Guidelines, 2015. Collection method: clinical testing. Allele origin: germline. Inheritance: Autosomal dominant inheritance. Observed: 1 variant allele, 1 heterozygote.
Comment: This missense variant replaces threonine with isoleucine at codon 8 of the PRKAG2 protein. Computational prediction suggests that this variant may not impact protein structure and function (internally defined REVEL score threshold <= 0.5, PMID: 27666373). To our knowledge, functional studies have not been reported for this variant. This variant has not been reported in individuals affected with PRKAG2-related disorders in the literature. This variant has not been identified in the general population by the Genome Aggregation Database (gnomAD). The available evidence is insufficient to determine the role of this variant in disease conclusively. Therefore, this variant is classified as a Variant of Uncertain Significance.

This study involves interpretation of variants in research participants for the purpose of population health screening. Participant phenotype was not available at the time of variant classification. Additional details can be found in publication PMID: 35346344, PMCID: PMC8962531